The following is an entry in ClinVar:

NM_001267550.2(TTN):c.104668G>A (p.Val34890Met)

Genes: TTN-AS1 (TTN antisense RNA 1; plus strand), TTN (titin; minus strand). Cytogenetic location: 2q31.2.
Variant type: single nucleotide variant.
Coding change: c.104668G>A on transcript NM_001267550.2 (MANE Select); coding-DNA position 104668, G replaced by A.
Protein change: p.Val34890Met; replaces valine 34890 with methionine.
Molecular consequence: missense variant.
Genome position (GRCh38, 1-based): chr2:178,531,947, C>T on the plus strand (G>A on the coding strand, the complement: TTN is on the minus strand). VCF-style: chr2-178531947-C-T. GRCh37 (hg19) VCF-style: chr2-179396674-C-T.
Other names: c.99745G>A, p.Val33249Met (NM_001256850.1); c.77473G>A, p.Val25825Met (NM_003319.4); c.96964G>A, p.Val32322Met (NM_133378.4); c.77848G>A, p.Val25950Met (NM_133432.3); c.78049G>A, p.Val26017Met (NM_133437.4); short protein forms V25825M, V25950M, V26017M, V32322M, V33249M, V34890M.
Identifiers: ClinVar variation 3750868 (VCV003750868.2).

ClinVar aggregate classification (germline): Uncertain significance (1 of 4 stars; one submission).

Conditions:
Autosomal recessive limb-girdle muscular dystrophy type 2J (LGMDR10). Also called: Limb-girdle muscular dystrophy, type 2J; MUSCULAR DYSTROPHY, LIMB-GIRDLE, AUTOSOMAL RECESSIVE 10. Identifiers: Orphanet 140922, MedGen C1837342, MONDO:0012127, OMIM 608807.
Dilated cardiomyopathy 1G (CMD1G). Identifiers: Orphanet 154, MedGen C1858763, MONDO:0011400, OMIM 604145.

Submission:

Labcorp Genetics (formerly Invitae), Labcorp
Classification: Uncertain significance for Dilated cardiomyopathy 1G; Autosomal recessive limb-girdle muscular dystrophy type 2J. Last evaluated: 2024-11-24. Review status: criteria provided, single submitter. Criteria: Invitae Variant Classification Sherloc (09022015). Collection method: clinical testing. Allele origin: germline.
Comment: This sequence change replaces valine, which is neutral and non-polar, with methionine, which is neutral and non-polar, at codon 34890 of the TTN protein (p.Val34890Met). This variant is not present in population databases (gnomAD no frequency). This variant has not been reported in the literature in individuals affected with TTN-related conditions. Experimental studies and prediction algorithms are not available or were not evaluated, and the functional significance of this variant is currently unknown. This variant is located in the M band of TTN (PMID: 25589632). Non-truncating variants in this region may be relevant for neuromuscular disorders, but have not been definitively shown to cause cardiomyopathy (PMID: 23975875). In summary, the available evidence is currently insufficient to determine the role of this variant in disease. Therefore, it has been classified as a Variant of Uncertain Significance.

Literature cited by the submitters: PubMed 25589632; PubMed 23975875.